The following is an entry in ClinVar:

ClinVar aggregate classification (germline): Uncertain significance (1 of 4 stars; one submission).

Conditions:
Acrocallosal syndrome (ACLS). Also called: HALLUX DUPLICATION, POSTAXIAL POLYDACTYLY, AND ABSENCE OF CORPUS CALLOSUM; Schinzel syndrome 1; Absence of corpus callosum with unusual facial appearance, mental deficiency, duplication of the halluces and polydactyly. Identifiers: Orphanet 36, MedGen C0796147, MONDO:0008708, OMIM 200990.

Submission:

Labcorp Genetics (formerly Invitae), Labcorp
Classification: Uncertain significance for Acrocallosal syndrome. Last evaluated: 2022-10-04. Review status: criteria provided, single submitter. Criteria: Invitae Variant Classification Sherloc (09022015). Collection method: clinical testing. Allele origin: germline.
Comment: This variant is present in population databases (no rsID available, gnomAD 0.005%). In summary, the available evidence is currently insufficient to determine the role of this variant in disease. Therefore, it has been classified as a Variant of Uncertain Significance. Advanced modeling of protein sequence and biophysical properties (such as structural, functional, and spatial information, amino acid conservation, physicochemical variation, residue mobility, and thermodynamic stability) has been performed at Invitae for this missense variant, however the output from this modeling did not meet the statistical confidence thresholds required to predict the impact of this variant on KIF7 protein function. ClinVar contains an entry for this variant (Variation ID: 1361638). This variant has not been reported in the literature in individuals affected with KIF7-related conditions. This sequence change replaces arginine, which is basic and polar, with proline, which is neutral and non-polar, at codon 756 of the KIF7 protein (p.Arg756Pro).

NM_198525.3(KIF7):c.2267G>C (p.Arg756Pro)

Gene: KIF7 (kinesin family member 7; minus strand). Cytogenetic location: 15q26.1.
Variant type: single nucleotide variant.
Coding change: c.2267G>C on transcript NM_198525.3 (MANE Select); coding-DNA position 2267, G replaced by C.
Protein change: p.Arg756Pro; replaces arginine 756 with proline.
Molecular consequence: missense variant.
Genome position (GRCh38, 1-based): chr15:89,642,330, C>G on the plus strand (G>C on the coding strand, the complement: KIF7 is on the minus strand). VCF-style: chr15-89642330-C-G. GRCh37 (hg19) VCF-style: chr15-90185561-C-G.
Other names: short protein forms R756P.
Identifiers: ClinVar variation 1361638 (VCV001361638.6), dbSNP rs749173316, ClinGen allele CA393762030.